The following is an entry in ClinVar:

ClinVar aggregate classification (germline): Uncertain significance. Review status: criteria provided, multiple submitters, no conflicts (2 of 4 stars). 2 submissions from 2 submitters: Uncertain significance (2). Last evaluated 2023-06-28.

Conditions:
Wilms tumor 1 (WT1). Also called: Wilms tumor, somatic. Identifiers: Orphanet 654, MedGen CN033288, MONDO:0008679, OMIM 194070.
11p partial monosomy syndrome (WAGR). Also called: WAGR Spectrum Disorder; WAGR syndrome; WAGR Complex; CHROMOSOME 11p13 DELETION SYNDROME. Identifiers: Orphanet 893, MedGen C0206115, MONDO:0008681, OMIM 194072.
Frasier syndrome. Identifiers: Orphanet 347, MedGen C0950122, MeSH D052159, MONDO:0007635, OMIM 136680.
Drash syndrome (DDS). Also called: NEPHROPATHY, WILMS TUMOR, AND GENITAL ANOMALIES; WILMS TUMOR AND PSEUDO- OR TRUE HERMAPHRODITISM. Identifiers: Orphanet 220, MedGen C0950121, MONDO:0008682, OMIM 194080.

Allele frequency attached by ClinVar (database versions not stated): TOPMed below 0.00001; gnomAD 0.00001.
gnomAD v4.1: 1 of 1,487,542 alleles (0.000067%); highest among the groups gnomAD compares: Non-Finnish European, 0.000089%; no homozygotes.

Submissions (2):

All of Us Research Program, National Institutes of Health
Classification: Uncertain significance for Wilms tumor 1. Last evaluated: 2023-06-28. Review status: criteria provided, single submitter. Criteria: ACMG Guidelines, 2015. Collection method: clinical testing. Allele origin: germline. Inheritance: Autosomal dominant inheritance. Observed: 1 variant allele, 1 heterozygote.
Comment: This study involves interpretation of variants in research participants for the purpose of population health screening. Participant phenotype was not available at the time of variant classification. Additional details can be found in publication PMID: 35346344, PMCID: PMC8962531

Labcorp Genetics (formerly Invitae), Labcorp
Classification: Uncertain significance for Wilms tumor 1; Drash syndrome; 11p partial monosomy syndrome; Frasier syndrome. Last evaluated: 2021-02-10. Review status: criteria provided, single submitter. Criteria: Invitae Variant Classification Sherloc (09022015). Collection method: clinical testing. Allele origin: germline.
Comment: In summary, the available evidence is currently insufficient to determine the role of this variant in disease. Therefore, it has been classified as a Variant of Uncertain Significance. This sequence change replaces alanine with proline at codon 113 of the WT1 protein (p.Ala113Pro). The alanine residue is highly conserved and there is a small physicochemical difference between alanine and proline. The frequency data for this variant in the population databases is considered unreliable, as metrics indicate insufficient coverage at this position in the ExAC database. This variant has not been reported in the literature in individuals with WT1-related conditions. Algorithms developed to predict the effect of missense changes on protein structure and function are either unavailable or do not agree on the potential impact of this missense change (SIFT: "Deleterious"; PolyPhen-2: "Possibly Damaging"; Align-GVGD: "Class C0").

NM_024426.6(WT1):c.352G>C (p.Ala118Pro)

Genes: WT1 (WT1 transcription factor; minus strand), LOC107982234 (WT1/WT1-AS bi-directional promoter region; plus strand). Cytogenetic location: 11p13.
Variant type: single nucleotide variant.
Coding change: c.352G>C on transcript NM_024426.6 (MANE Select); coding-DNA position 352, G replaced by C.
Protein change: p.Ala118Pro; replaces alanine 118 with proline.
Molecular consequence: missense variant. On other transcripts: non-coding transcript variant (1).
Genome position (GRCh38, 1-based): chr11:32,435,009, C>G on the plus strand (G>C on the coding strand, the complement: WT1 is on the minus strand). VCF-style: chr11-32435009-C-G. GRCh37 (hg19) VCF-style: chr11-32456555-C-G.
Other names: c.352G>C, p.Ala118Pro (NM_000378.6, NM_024424.5); short protein forms A118P.
Identifiers: ClinVar variation 836770 (VCV000836770.11), dbSNP rs1253163678, ClinGen allele CA379965870.